The following is an entry in ClinVar:

NM_000441.2(SLC26A4):c.1214C>T (p.Thr405Ile)

Gene: SLC26A4 (solute carrier family 26 member 4; plus strand). Cytogenetic location: 7q22.3.
Variant type: single nucleotide variant.
Coding change: c.1214C>T on transcript NM_000441.2 (MANE Select); coding-DNA position 1214, C replaced by T.
Protein change: p.Thr405Ile; replaces threonine 405 with isoleucine.
Molecular consequence: missense variant.
Genome position (GRCh38, 1-based): chr7:107,690,188, C>T. VCF-style: chr7-107690188-C-T. GRCh37 (hg19) VCF-style: chr7-107330633-C-T.
Other names: short protein forms T405I.
Identifiers: ClinVar variation 3391555 (VCV003391555.2).

ClinVar aggregate classification (germline): Conflicting classifications of pathogenicity. Review status: criteria provided, conflicting classifications (1 of 4 stars). 2 submissions from 2 submitters: Likely pathogenic (1); Uncertain significance (1). Last evaluated 2024-06-21.

Conditions:
SLC26A4-related disorder. Also called: SLC26A4-related disorders; SLC26A4-related condition.

Submissions (2):

GeneDx
Classification: Uncertain significance. Last evaluated: 2024-06-21. Review status: criteria provided, single submitter. Criteria: GeneDx Variant Classification Process June 2021. Collection method: clinical testing. Allele origin: germline. Affected: yes.
Comment: Not observed at significant frequency in large population cohorts (gnomAD); In silico analysis supports that this missense variant has a deleterious effect on protein structure/function; Has not been previously published as pathogenic or benign to our knowledge

Blueprint Genetics
Classification: Likely pathogenic for SLC26A4-related disorders. Last evaluated: 2022-05-24. Review status: criteria provided, single submitter. Criteria: ACMG Guidelines, 2015. Collection method: clinical testing. Allele origin: germline. Affected: yes. Observed: 2 variant alleles.